The following is an entry in ClinVar:

ClinVar aggregate classification (germline): Likely benign (1 of 4 stars; one submission).

Submission:

CeGaT Center for Human Genetics Tuebingen
Classification: Likely benign. Last evaluated: 2025-02-01. Review status: criteria provided, single submitter. Criteria: CeGaT Center For Human Genetics Tuebingen Variant Classification Criteria Version 2. Collection method: clinical testing. Allele origin: germline. Affected: yes. Observed: 1 variant allele.
Comment: CHD2: PM2:Supporting, BP4, BP7

NM_001271.4(CHD2):c.2547A>C (p.Ala849=)

Gene: CHD2 (chromodomain helicase DNA binding protein 2; plus strand). Cytogenetic location: 15q26.1.
Variant type: single nucleotide variant.
Coding change: c.2547A>C on transcript NM_001271.4 (MANE Select); coding-DNA position 2547, A replaced by C.
Protein change: p.Ala849=; no amino-acid change (alanine 849 retained).
Molecular consequence: synonymous variant.
Genome position (GRCh38, 1-based): chr15:92,974,920, A>C. VCF-style: chr15-92974920-A-C. GRCh37 (hg19) VCF-style: chr15-93518150-A-C.
Identifiers: ClinVar variation 3772435 (VCV003772435.13).